The following is an entry in ClinVar:

NM_170601.5(SIAE):c.1197GAA[1] (p.Lys400del)

Gene: SIAE (sialic acid acetylesterase; minus strand). Cytogenetic location: 11q24.2.
Variant type: Microsatellite.
Coding change: c.1197GAA[1] on transcript NM_170601.5 (MANE Select); one copy of the 3-base unit GAA starting at c.1197; the reference has two copies in a row; one copy, 3 bases deleted.
Protein change: p.Lys400del; deletes lysine 400.
Molecular consequence: inframe deletion.
Genome position (GRCh38, 1-based): chr11:124,638,660-124,638,662, TTC deleted on the plus strand (GAA on the coding strand, the reverse complement: SIAE is on the minus strand); deleting any 3 consecutive bases within chr11:124,638,660-124,638,666 gives the same sequence; the position shown is the placement nearest the transcript's 3' end. VCF-style (leftmost placement, unchanged base first): chr11-124638659-ATTC-A. GRCh37 (hg19) VCF-style: chr11-124508555-ATTC-A.
Other names: c.1092GAA[1], p.Lys365del (NM_001199922.2); short protein forms K365del, K400del.
Identifiers: ClinVar variation 1353827 (VCV001353827.8), dbSNP rs753342169, ClinGen allele CA6341253.
Genomic context (GRCh38, chr11:124,638,659, plus strand): 5'-GAGCAGCCCCTTGTGAGCCAAGAGTTCTATCTTCTCAGGCAGTGGTCCTTCAAAGGTCAA[ATTC>A]TTCTCACCATAAGCCAGAGCACGGGCCCCCAAATGCAGCCGATAAGCCACAGTCTGTTTA-3'

ClinVar aggregate classification (germline): Uncertain significance (1 of 4 stars; one submission).

Submission:

Labcorp Genetics (formerly Invitae), Labcorp
Classification: Uncertain significance. Last evaluated: 2021-06-24. Review status: criteria provided, single submitter. Criteria: Invitae Variant Classification Sherloc (09022015). Collection method: clinical testing. Allele origin: germline.
Comment: In summary, the available evidence is currently insufficient to determine the role of this variant in disease. Therefore, it has been classified as a Variant of Uncertain Significance. Experimental studies and prediction algorithms are not available or were not evaluated, and the functional significance of this variant is currently unknown. This variant has not been reported in the literature in individuals with SIAE-related conditions. This variant is present in population databases (rs753342169, ExAC 0.02%). This variant, c.1200_1202del, results in the deletion of 1 amino acid(s) of the SIAE protein (p.Lys400del), but otherwise preserves the integrity of the reading frame.